The following is an entry in ClinVar:

NM_000371.4(TTR):c.200+4A>G

Gene: TTR (transthyretin; plus strand). Cytogenetic location: 18q12.1.
Variant type: single nucleotide variant.
Coding change: c.200+4A>G on transcript NM_000371.4 (MANE Select); 4 bases into the intron after coding-DNA position 200, A replaced by G.
Molecular consequence: intron variant.
Genome position (GRCh38, 1-based): chr18:31,593,030, A>G. VCF-style: chr18-31593030-A-G. GRCh37 (hg19) VCF-style: chr18-29172993-A-G.
Other names: c.200+4A>G (NM_000371.3).
Identifiers: ClinVar variation 1024110 (VCV001024110.8), dbSNP rs751512499, ClinGen allele CA8928420.
Genomic context (GRCh38, chr18:31,593,030, plus strand): 5'-GGCCGTGCATGTGTTCAGAAAGGCTGCTGATGACACCTGGGAGCCATTTGCCTCTGGGTA[A>G]GTTGCCAAAGAACCCTCCCACAGGACTTGGTTTTATCTTCCCGTTTGCCCCTCACTTGGT-3'

ClinVar aggregate classification (germline): Uncertain significance. Review status: criteria provided, multiple submitters, no conflicts (2 of 4 stars). 3 submissions from 3 submitters: Uncertain significance (3). Last evaluated 2024-10-01.

Conditions:
Amyloidosis, hereditary systemic 1 (AMYLD1). Also called: Transthyretin Amyloidosis; AMYLOID CARDIOMYOPATHY; Isolated Cardiac Amyloidosis; Amyloid Cardiomyopathy, Transthyretin-related; Familial amyloid polyneuropathy; Hereditary oculoleptomeningeal amyloid angiopathy. Identifiers: Orphanet 85447, Orphanet 85451, MedGen C2751492, MONDO:0971004, OMIM 105210.
Carpal tunnel syndrome 1 (CTS1). Also called: Carpal tunnel syndrome, familial. Identifiers: MedGen C5779776, MONDO:0020730, OMIM 115430.
Hyperthyroxinemia, dystransthyretinemic. Also called: HYPERTHYROXINEMIA, DYSPREALBUMINEMIC; EUTHRYROIDAL HYPERTHYROXINEMIA 2. Identifiers: MedGen C2750824, MONDO:0007785, OMIM 145680.
Cardiovascular phenotype. Identifiers: MedGen CN230736.

Allele frequency attached by ClinVar (database versions not stated): gnomAD exomes below 0.00001 and 0.00002; gnomAD 0.00001; ExAC 0.00002.
gnomAD v4.1: 7 of 1,613,676 alleles (0.00043%); highest among the groups gnomAD compares: East Asian, 0.013%; no homozygotes.

Submissions (3):

Ambry Genetics
Classification: Uncertain significance for Cardiovascular phenotype. Last evaluated: 2024-10-01. Review status: criteria provided, single submitter. Criteria: Ambry Variant Classification Scheme 2023. Collection method: clinical testing. Allele origin: germline.
Comment: The c.200+4A>G intronic alteration consists of a A to G substitution nucleotides after coding exon 2 in the TTR gene. Based on insufficient or conflicting evidence, the clinical significance of this alteration remains unclear.

Labcorp Genetics (formerly Invitae), Labcorp
Classification: Uncertain significance for Amyloidosis, hereditary systemic 1. Last evaluated: 2024-09-28. Review status: criteria provided, single submitter. Criteria: Invitae Variant Classification Sherloc (09022015). Collection method: clinical testing. Allele origin: germline.
Comment: This sequence change falls in intron 2 of the TTR gene. It does not directly change the encoded amino acid sequence of the TTR protein. It affects a nucleotide within the consensus splice site. This variant is present in population databases (rs751512499, gnomAD 0.03%). This variant has been observed in individual(s) with Alzheimer disease (PMID: 27562180). ClinVar contains an entry for this variant (Variation ID: 1024110). Variants that disrupt the consensus splice site are a relatively common cause of aberrant splicing (PMID: 17576681, 9536098). Algorithms developed to predict the effect of sequence changes on RNA splicing suggest that this variant is not likely to affect RNA splicing. In summary, the available evidence is currently insufficient to determine the role of this variant in disease. Therefore, it has been classified as a Variant of Uncertain Significance.

Fulgent Genetics
Classification: Uncertain significance for Amyloidosis, hereditary systemic 1; Carpal tunnel syndrome 1; Hyperthyroxinemia, dystransthyretinemic. Last evaluated: 2024-04-08. Review status: criteria provided, single submitter. Criteria: ACMG Guidelines, 2015. Collection method: clinical testing. Allele origin: germline.

Literature cited by the submitters: PubMed 27562180 (cited by Ambry Genetics and Labcorp Genetics (formerly Invitae), Labcorp); PubMed 17576681 (cited by Labcorp Genetics (formerly Invitae), Labcorp); PubMed 9536098 (cited by Labcorp Genetics (formerly Invitae), Labcorp).